The following is an entry in ClinVar:

NM_000059.4(BRCA2):c.4990_4991del (p.Val1663_Ile1664insTer)

Gene: BRCA2 (BRCA2 DNA repair associated; plus strand). Cytogenetic location: 13q13.1.
Variant type: Deletion.
Coding change: c.4990_4991del on transcript NM_000059.4 (MANE Select); coding-DNA positions 4990 to 4991, 2 bases deleted (AT; older notation c.4990_4991delAT).
Protein change: p.Val1663_Ile1664insTer.
Molecular consequence: nonsense.
Genome position (GRCh38, 1-based): chr13:32,339,345-32,339,346, AT deleted. VCF-style (leftmost placement, unchanged base first): chr13-32339344-CAT-C. GRCh37 (hg19) VCF-style: chr13-32913481-CAT-C.
Other names: 5218delAT; c.4990_4991delAT (NM_000059.3).
Identifiers: ClinVar variation 91831 (VCV000091831.12), dbSNP rs398122790, ClinGen allele CA021114.

ClinVar aggregate classification (germline): Pathogenic. Review status: reviewed by expert panel (3 of 4 stars). 4 submissions from 4 submitters: Pathogenic (1). 3 of the submissions do not count toward it. Last evaluated 2016-09-08.

Conditions:
Hereditary cancer-predisposing syndrome. Also called: Neoplastic Syndromes, Hereditary; Hereditary neoplastic syndrome; Tumor predisposition; Hereditary Cancer Syndrome. Identifiers: Orphanet 140162, MedGen C0027672, MeSH D009386, MONDO:0015356.
Hereditary breast ovarian cancer syndrome. Also called: Hereditary breast and/or ovarian cancer syndrome; Hereditary breast and ovarian cancer; Hereditary breast and ovarian cancer syndrome (HBOC); Breast and ovarian cancer; BRCA1- and BRCA2-Associated Hereditary Breast and Ovarian Cancer; Hereditary breast and ovarian cancer syndrome. Identifiers: Orphanet 145, MedGen C0677776, MeSH D061325, MONDO:0003582. Disease mechanism: loss of function.
Breast-ovarian cancer, familial, susceptibility to, 2 (BROVCA2). Also called: BRCA2 Hereditary Breast and Ovarian Cancer. Identifiers: Orphanet 145, MedGen C2675520, MONDO:0012933, OMIM 612555. Disease mechanism: loss of function.

Submissions (4):

Evidence-based Network for the Interpretation of Germline Mutant Alleles (ENIGMA)
Classification: Pathogenic for Breast-ovarian cancer, familial, susceptibility to, 2. Last evaluated: 2016-09-08. Review status: reviewed by expert panel. Criteria: ENIGMA BRCA1/2 Classification Criteria (2015). Collection method: curation. Allele origin: germline.
Comment: Variant allele predicted to encode a truncated non-functional protein.

Ambry Genetics
Classification: Pathogenic for Hereditary cancer-predisposing syndrome. Last evaluated: 2026-03-19. Review status: criteria provided, single submitter. Criteria: Ambry Variant Classification Scheme 2023. Collection method: clinical testing. Allele origin: germline. Not counted in ClinVar's aggregate classification.
Comment: The c.4990_4991delAT variant, located in coding exon 10 of the BRCA2 gene, results from a deletion of two nucleotides at nucleotide positions 4990 to 4991, causing a translational frameshift with a predicted alternate stop codon (p.I1664*). This variant is considered to be rare based on population cohorts in the Genome Aggregation Database (gnomAD). This alteration is expected to result in loss of function by premature protein truncation or nonsense-mediated mRNA decay. As such, this alteration is interpreted as a disease-causing mutation.

Labcorp Genetics (formerly Invitae), Labcorp
Classification: Pathogenic for Hereditary breast ovarian cancer syndrome. Last evaluated: 2022-07-17. Review status: criteria provided, single submitter. Criteria: Invitae Variant Classification Sherloc (09022015). Collection method: clinical testing. Allele origin: germline. Not counted in ClinVar's aggregate classification.
Comment: This sequence change creates a premature translational stop signal (p.Ile1664*) in the BRCA2 gene. It is expected to result in an absent or disrupted protein product. Loss-of-function variants in BRCA2 are known to be pathogenic (PMID: 20104584). This variant is not present in population databases (gnomAD no frequency). For these reasons, this variant has been classified as Pathogenic. ClinVar contains an entry for this variant (Variation ID: 91831). This premature translational stop signal has been observed in individual(s) with clinical features of BRCA2-related conditions (PMID: 21520333).

Sharing Clinical Reports Project (SCRP)
Classification: Pathogenic for Breast-ovarian cancer, familial 2. Last evaluated: 2009-10-07. Review status: no assertion criteria provided. Collection method: clinical testing. Allele origin: germline. Not counted in ClinVar's aggregate classification.

Literature cited by the submitters: PubMed 20104584 (cited by Labcorp Genetics (formerly Invitae), Labcorp); PubMed 21520333 (cited by Labcorp Genetics (formerly Invitae), Labcorp).